The following is an entry in ClinVar:

NM_000135.4(FANCA):c.1949T>A (p.Leu650Gln)

Gene: FANCA (FA complementation group A; minus strand). Cytogenetic location: 16q24.3.
Variant type: single nucleotide variant.
Coding change: c.1949T>A on transcript NM_000135.4 (MANE Select); coding-DNA position 1949, T replaced by A.
Protein change: p.Leu650Gln; replaces leucine 650 with glutamine.
Molecular consequence: missense variant.
Genome position (GRCh38, 1-based): chr16:89,773,336, A>T on the plus strand (T>A on the coding strand, the complement: FANCA is on the minus strand). VCF-style: chr16-89773336-A-T. GRCh37 (hg19) VCF-style: chr16-89839744-A-T.
Other names: c.1949T>A, p.Leu650Gln (NM_001286167.3); short protein forms L650Q.
Identifiers: ClinVar variation 2189344 (VCV002189344.2), dbSNP rs965355095, ClinGen allele CA397450083.
Genomic context (GRCh38, chr16:89,773,336, plus strand): 5'-CGCTGGCTGGGGTCTGTCATGGAGGCTCTCAGCTCTCCCAGTGCAGCTGTGAGCTGTCCC[A>T]GGGGCTCCTCAGCAGAGTTGGGTTCTGCCCTCACTCCCAGGGCTGCATCTGTGAGAAGAA-3'
Protein context (NP_000126.2, residues 640-660): RAEPNSAEEP[Leu650Gln]GQLTAALGEL

ClinVar aggregate classification (germline): Uncertain significance (1 of 4 stars; one submission).

Conditions:
Fanconi anemia (FA). Also called: Fanconi's anemia. Identifiers: Orphanet 84, MedGen C0015625, MeSH D005199, MONDO:0019391.

Allele frequency attached by ClinVar (database versions not stated): gnomAD exomes 0.00002.
gnomAD v4.1: 27 of 1,551,592 alleles (0.0017%); highest among the groups gnomAD compares: Non-Finnish European, 0.0023%; no homozygotes.

Submission:

Labcorp Genetics (formerly Invitae), Labcorp
Classification: Uncertain significance for Fanconi anemia. Last evaluated: 2023-11-27. Review status: criteria provided, single submitter. Criteria: Invitae Variant Classification Sherloc (09022015). Collection method: clinical testing. Allele origin: germline.
Comment: This sequence change replaces leucine, which is neutral and non-polar, with glutamine, which is neutral and polar, at codon 650 of the FANCA protein (p.Leu650Gln). This variant is not present in population databases (gnomAD no frequency). This variant has not been reported in the literature in individuals affected with FANCA-related conditions. ClinVar contains an entry for this variant (Variation ID: 2189344). Advanced modeling of protein sequence and biophysical properties (such as structural, functional, and spatial information, amino acid conservation, physicochemical variation, residue mobility, and thermodynamic stability) performed at Invitae indicates that this missense variant is expected to disrupt FANCA protein function with a positive predictive value of 80%. In summary, the available evidence is currently insufficient to determine the role of this variant in disease. Therefore, it has been classified as a Variant of Uncertain Significance.